The following is an entry in ClinVar:

NM_001572.5(IRF7):c.623C>T (p.Thr208Ile)

Gene: IRF7 (interferon regulatory factor 7; minus strand). Cytogenetic location: 11p15.5.
Variant type: single nucleotide variant.
Coding change: c.623C>T on transcript NM_001572.5 (MANE Select); coding-DNA position 623, C replaced by T.
Protein change: p.Thr208Ile; replaces threonine 208 with isoleucine.
Molecular consequence: missense variant.
Genome position (GRCh38, 1-based): chr11:614,230, G>A on the plus strand (C>T on the coding strand, the complement: IRF7 is on the minus strand). VCF-style: chr11-614230-G-A. GRCh37 (hg19) VCF-style: chr11-614230-G-A.
Other names: c.623C>T, p.Thr208Ile (NM_004029.4); c.662C>T, p.Thr221Ile (NM_004031.4); short protein forms T208I, T221I.
Identifiers: ClinVar variation 1989231 (VCV001989231.4), dbSNP rs140644060, ClinGen allele CA5783888.
Genomic context (GRCh38, chr11:614,230, plus strand): 5'-ACACCTCCAGCACAGGCCCCAGTCAGGGGAAGCCCTTCTTGTCCCTCTCCAGGAGCCTTG[G>A]TTGGGACTGGATCTGCCCCCCATGACGCTGTCAGCAGATGGTCTGCCAGGCAGCTCTGTT-3'
Protein context (NP_001563.2, residues 198-218): TASWGADPVP[Thr208Ile]KAPGEGQEGL

ClinVar aggregate classification (germline): Uncertain significance (1 of 4 stars; one submission).

Conditions:
Immunodeficiency 39 (IMD39). Identifiers: Orphanet 574918, MedGen C4225358, MONDO:0014597, OMIM 616345.

Allele frequency attached by ClinVar (database versions not stated): ExAC 0.00001; gnomAD exomes 0.00001; TOPMed 0.00001; gnomAD 0.00002; 1000 Genomes Project 30x 0.00016; 1000 Genomes Project 0.00020.
gnomAD v4.1: 12 of 1,613,062 alleles (0.00074%); highest among the groups gnomAD compares: African/African-American, 0.012%; no homozygotes.

Submission:

Labcorp Genetics (formerly Invitae), Labcorp
Classification: Uncertain significance for Immunodeficiency 39. Last evaluated: 2025-06-29. Review status: criteria provided, single submitter. Criteria: Invitae Variant Classification Sherloc (09022015). Collection method: clinical testing. Allele origin: germline.
Comment: This sequence change replaces threonine, which is neutral and polar, with isoleucine, which is neutral and non-polar, at codon 221 of the IRF7 protein (p.Thr221Ile). This variant is present in population databases (rs140644060, gnomAD 0.01%). This variant has not been reported in the literature in individuals affected with IRF7-related conditions. ClinVar contains an entry for this variant (Variation ID: 1989231). Invitae Evidence Modeling of protein sequence and biophysical properties (such as structural, functional, and spatial information, amino acid conservation, physicochemical variation, residue mobility, and thermodynamic stability) indicates that this missense variant is not expected to disrupt IRF7 protein function with a negative predictive value of 80%. In summary, the available evidence is currently insufficient to determine the role of this variant in disease. Therefore, it has been classified as a Variant of Uncertain Significance.